The following is an entry in ClinVar:

ClinVar aggregate classification (germline): Uncertain significance (1 of 4 stars; one submission).

Submission:

Labcorp Genetics (formerly Invitae), Labcorp
Classification: Uncertain significance. Last evaluated: 2025-04-15. Review status: criteria provided, single submitter. Criteria: Invitae Variant Classification Sherloc (09022015). Collection method: clinical testing. Allele origin: germline.
Comment: This sequence change replaces glycine, which is neutral and non-polar, with serine, which is neutral and polar, at codon 2877 of the CELSR2 protein (p.Gly2877Ser). Information on the frequency of this variant in the gnomAD database is not available, as this variant may be reported differently in the database. This variant has not been reported in the literature in individuals affected with CELSR2-related conditions. Experimental studies and prediction algorithms are not available or were not evaluated, and the functional significance of this variant is currently unknown. In summary, the available evidence is currently insufficient to determine the role of this variant in disease. Therefore, it has been classified as a Variant of Uncertain Significance.

NM_001408.3(CELSR2):c.8628_8629delinsCA (p.Gly2877Ser)

Gene: CELSR2 (cadherin EGF LAG seven-pass G-type receptor 2; plus strand). Cytogenetic location: 1p13.3.
Variant type: Indel.
Coding change: c.8628_8629delinsCA on transcript NM_001408.3 (MANE Select); coding-DNA positions 8628 to 8629, AG replaced by CA.
Protein change: p.Gly2877Ser; replaces glycine 2877 with serine.
Molecular consequence: missense variant.
Genome position (GRCh38, 1-based): chr1:109,273,554-109,273,555, AG replaced by CA. VCF-style: chr1-109273554-AG-CA. GRCh37 (hg19) VCF-style: chr1-109816176-AG-CA.
Other names: short protein forms G2877S.
Identifiers: ClinVar variation 4755158 (VCV004755158.1).